The following is an entry in ClinVar:

NM_033004.4(NLRP1):c.2700-2A>C

Gene: NLRP1 (NLR family pyrin domain containing 1; minus strand). Cytogenetic location: 17p13.2.
Variant type: single nucleotide variant.
Coding change: c.2700-2A>C on transcript NM_033004.4 (MANE Select); the canonical splice acceptor site of the intron before coding-DNA position 2700, A replaced by C.
Molecular consequence: splice acceptor variant.
Genome position (GRCh38, 1-based): chr17:5,539,587, T>G on the plus strand (A>C on the coding strand, the complement: NLRP1 is on the minus strand). VCF-style: chr17-5539587-T-G. GRCh37 (hg19) VCF-style: chr17-5442907-T-G.
Other names: c.2700-2A>C (NM_001033053.3, NM_033007.4, NM_033006.4 and 1 more transcripts).
Identifiers: ClinVar variation 1935176 (VCV001935176.5), dbSNP rs529437183, ClinGen allele CA8327074.

ClinVar aggregate classification (germline): Uncertain significance (1 of 4 stars; one submission).

Allele frequency attached by ClinVar (database versions not stated): gnomAD exomes below 0.00001; ExAC 0.00001; gnomAD 0.00001; TOPMed 0.00001; 1000 Genomes Project 0.00020; 1000 Genomes Project 30x 0.00031.
gnomAD v4.1: 4 of 1,607,576 alleles (0.00025%); highest among the groups gnomAD compares: African/African-American, 0.004%; no homozygotes.

Submission:

Labcorp Genetics (formerly Invitae), Labcorp
Classification: Uncertain significance. Last evaluated: 2024-09-01. Review status: criteria provided, single submitter. Criteria: Invitae Variant Classification Sherloc (09022015). Collection method: clinical testing. Allele origin: germline.
Comment: This sequence change affects an acceptor splice site in intron 6 of the NLRP1 gene. It is expected to disrupt RNA splicing. Variants that disrupt the donor or acceptor splice site typically lead to a loss of protein function (PMID: 16199547), however the current clinical and genetic evidence is not sufficient to establish whether loss-of-function variants in NLRP1 cause disease. This variant is present in population databases (rs529437183, gnomAD 0.007%). This variant has not been reported in the literature in individuals affected with NLRP1-related conditions. ClinVar contains an entry for this variant (Variation ID: 1935176). Algorithms developed to predict the effect of sequence changes on RNA splicing suggest that this variant may disrupt the consensus splice site. In summary, the available evidence is currently insufficient to determine the role of this variant in disease. Therefore, it has been classified as a Variant of Uncertain Significance.

Literature cited by the submitters: PubMed 16199547.